The following is an entry in ClinVar:

NM_002715.4(PPP2CA):c.420A>C (p.Ala140=)

Gene: PPP2CA (protein phosphatase 2 catalytic subunit alpha; minus strand). Cytogenetic location: 5q31.1.
Variant type: single nucleotide variant.
Coding change: c.420A>C on transcript NM_002715.4 (MANE Select); coding-DNA position 420, A replaced by C.
Protein change: p.Ala140=; no amino-acid change (alanine 140 retained).
Molecular consequence: synonymous variant. On other transcripts: non-coding transcript variant (1).
Genome position (GRCh38, 1-based): chr5:134,201,914, T>G on the plus strand (A>C on the coding strand, the complement: PPP2CA is on the minus strand). VCF-style: chr5-134201914-T-G. GRCh37 (hg19) VCF-style: chr5-133537605-T-G.
Other names: c.225A>C, p.Ala75= (NM_001355019.2).
Identifiers: ClinVar variation 1299002 (VCV001299002.41), dbSNP rs373404752, ClinGen allele CA3412827.

ClinVar aggregate classification (germline): Likely benign. Review status: criteria provided, multiple submitters, no conflicts (2 of 4 stars). 3 submissions from 3 submitters: Likely benign (3). Last evaluated 2025-06-02.

Allele frequency attached by ClinVar (database versions not stated): ExAC 0.00007; gnomAD 0.00009; gnomAD exomes 0.00010 and 0.00019; TOPMed 0.00012; ESP Exome Variant Server 0.00015.
gnomAD v4.1: 297 of 1,613,964 alleles (0.018%); highest among the groups gnomAD compares: Non-Finnish European, 0.024%; no homozygotes.

Submissions (3):

Labcorp Genetics (formerly Invitae), Labcorp
Classification: Likely benign. Last evaluated: 2025-06-02. Review status: criteria provided, single submitter. Criteria: Invitae Variant Classification Sherloc (09022015). Collection method: clinical testing. Allele origin: germline.

CeGaT Center for Human Genetics Tuebingen
Classification: Likely benign. Last evaluated: 2025-05-01. Review status: criteria provided, single submitter. Criteria: CeGaT Center For Human Genetics Tuebingen Variant Classification Criteria Version 2. Collection method: clinical testing. Allele origin: germline. Affected: yes. Observed: 3 variant alleles.
Comment: PPP2CA: BP4

Blueprint Genetics
Classification: Likely benign. Last evaluated: 2023-04-21. Review status: criteria provided, single submitter. Criteria: ACMG Guidelines, 2015. Collection method: clinical testing. Allele origin: germline.